The following is an entry in ClinVar:

NM_016203.4(PRKAG2):c.*135T>C

Gene: PRKAG2 (protein kinase AMP-activated non-catalytic subunit gamma 2; minus strand). Cytogenetic location: 7q36.1.
Variant type: single nucleotide variant.
Coding change: c.*135T>C on transcript NM_016203.4 (MANE Select); 135 bases downstream of the stop codon, T replaced by C.
Molecular consequence: 3 prime UTR variant.
Genome position (GRCh38, 1-based): chr7:151,557,066, A>G on the plus strand (T>C on the coding strand, the complement: PRKAG2 is on the minus strand). VCF-style: chr7-151557066-A-G. GRCh37 (hg19) VCF-style: chr7-151254152-A-G.
Other names: c.*135T>C (NM_001040633.2, NM_001304527.2, NM_001304531.2 and 2 more transcripts).
Identifiers: ClinVar variation 359340 (VCV000359340.37), dbSNP rs184932311, ClinGen allele CA10625535.

ClinVar aggregate classification (germline): Conflicting classifications of pathogenicity. Review status: criteria provided, conflicting classifications (1 of 4 stars). 4 submissions from 3 submitters: Uncertain significance (1); Benign (2); Likely benign (1). Last evaluated 2023-06-01.

Conditions:
Hypertrophic cardiomyopathy 6. Identifiers: MedGen C1833236, MONDO:0010946, OMIM 600858.
Wolff-Parkinson-White pattern. Also called: Auriculoventricular accessory pathway syndrome; False bundle branch block syndrome; Anomalous ventricular excitation syndrome; WPW SYNDROME. Identifiers: MedGen C0043202, MONDO:0008685, OMIM 194200, HP:0001716.

Allele frequency attached by ClinVar (database versions not stated): 1000 Genomes Project 0.00040; gnomAD 0.00041 and 0.00042; 1000 Genomes Project 30x 0.00062; TOPMed 0.00068.
gnomAD v4.1: 526 of 1,415,888 alleles (0.037%); highest among the groups gnomAD compares: Middle Eastern, 1.2%; 3 homozygotes.

Submissions (4):

CeGaT Center for Human Genetics Tuebingen
Classification: Benign. Last evaluated: 2023-06-01. Review status: criteria provided, single submitter. Criteria: CeGaT Center For Human Genetics Tuebingen Variant Classification Criteria Version 2. Collection method: clinical testing. Allele origin: germline. Affected: yes. Observed: 4 variant alleles.
Comment: PRKAG2: BS1, BS2

Illumina Laboratory Services, Illumina
Classification: Uncertain significance for Hypertrophic cardiomyopathy 6. Last evaluated: 2018-01-12. Review status: criteria provided, single submitter. Criteria: ICSL Variant Classification Criteria 13 December 2019. Collection method: clinical testing. Allele origin: germline.

Illumina Laboratory Services, Illumina
Classification: Likely benign for Wolff-Parkinson-White pattern. Last evaluated: 2018-01-12. Review status: criteria provided, single submitter. Criteria: ICSL Variant Classification Criteria 13 December 2019. Collection method: clinical testing. Allele origin: germline.
Comment: This variant was observed in the ICSL laboratory as part of a predisposition screen in an ostensibly healthy population. It had not been previously curated by ICSL or reported in the Human Gene Mutation Database (HGMD: prior to June 1st, 2018), and was therefore a candidate for classification through an automated scoring system. Utilizing variant allele frequency, disease prevalence and penetrance estimates, and inheritance mode, an automated score was calculated to assess if this variant is too frequent to cause the disease. Based on the score and internal cut-off values, a variant classified as likely benign is not then subjected to further curation. The score for this variant resulted in a classification of likely benign for this disease.

GeneDx
Classification: Benign. Last evaluated: 2015-03-03. Review status: criteria provided, single submitter. Criteria: GeneDx Variant Classification Process June 2021. Collection method: clinical testing. Allele origin: germline. Affected: yes.